The following is an entry in ClinVar:

ClinVar aggregate classification (germline): Likely pathogenic (1 of 4 stars; one submission).

Conditions:
Neuromuscular disease caused by qualitative or quantitative defects of dystrophin. Also called: Qualitative or quantitative defects of dystrophin. Identifiers: Orphanet 207085, MedGen C5679787, MONDO:0016147.

Submission:

Women's Health and Genetics/Laboratory Corporation of America, LabCorp
Classification: Likely pathogenic for Neuromuscular disease caused by qualitative or quantitative defects of dystrophin. Last evaluated: 2022-11-04. Review status: criteria provided, single submitter. Criteria: LabCorp Variant Classification Summary - May 2015. Collection method: clinical testing. Allele origin: germline.
Comment: Variant summary: DMD c.3037G>T (p.Glu1013X) results in a premature termination codon, predicted to cause a truncation of the encoded protein or absence of the protein due to nonsense mediated decay, which are commonly known mechanisms for disease. Truncations downstream of this position have been classified as pathogenic by our laboratory. The variant was absent in 182548 control chromosomes (gnomAD). c.3037G>T has been reported in the literature in individuals affected with Duchenne Muscular Dystrophy (Tallapaka_2019, Nerakh_2021). These data indicate that the variant may be associated with disease. To our knowledge, no experimental evidence demonstrating an impact on protein function has been reported. No clinical diagnostic laboratories have submitted clinical-significance assessments for this variant to ClinVar after 2014. Based on the evidence outlined above, the variant was classified as likely pathogenic.

Literature cited by the submitters: PubMed 33552634; PubMed 31333208.

NM_004006.3(DMD):c.3037G>T (p.Glu1013Ter)

Gene: DMD (dystrophin; minus strand). Cytogenetic location: Xp21.1.
Variant type: single nucleotide variant.
Coding change: c.3037G>T on transcript NM_004006.3 (MANE Select); coding-DNA position 3037, G replaced by T.
Protein change: p.Glu1013Ter; replaces glutamic acid 1013 with a stop codon.
Molecular consequence: nonsense.
Genome position (GRCh38, 1-based): chrX:32,468,623, C>A on the plus strand (G>T on the coding strand, the complement: DMD is on the minus strand). VCF-style: chrX-32468623-C-A. GRCh37 (hg19) VCF-style: chrX-32486740-C-A.
Other names: c.3013G>T, p.Glu1005Ter (NM_000109.4); c.3025G>T, p.Glu1009Ter (NM_004009.3); c.2668G>T, p.Glu890Ter (NM_004010.3); short protein forms E1005*, E1009*, E1013*, E890*.
Identifiers: ClinVar variation 1804756 (VCV001804756.1), dbSNP rs2148459928, ClinGen allele CA412667009.